The following is an entry in ClinVar:

NM_000521.4(HEXB):c.214C>T (p.Leu72Phe)

Gene: HEXB (hexosaminidase subunit beta; plus strand). Cytogenetic location: 5q13.3.
Variant type: single nucleotide variant.
Coding change: c.214C>T on transcript NM_000521.4 (MANE Select); coding-DNA position 214, C replaced by T.
Protein change: p.Leu72Phe; replaces leucine 72 with phenylalanine.
Molecular consequence: missense variant. On other transcripts: intron variant (1).
Genome position (GRCh38, 1-based): chr5:74,685,474, C>T. VCF-style: chr5-74685474-C-T. GRCh37 (hg19) VCF-style: chr5-73981299-C-T.
Other names: c.-376-3854C>T (NM_001292004.2); short protein forms L72F.
Identifiers: ClinVar variation 129224 (VCV000129224.73), dbSNP rs147155126, ClinGen allele CA153078.

ClinVar aggregate classification (germline): Benign/Likely benign. Review status: criteria provided, multiple submitters, no conflicts (2 of 4 stars). 10 submissions from 10 submitters: Benign (5); Likely benign (2). 3 of the submissions do not count toward it. Last evaluated 2026-09-01.

Conditions:
HEXB-related disorder. Also called: HEXB-related condition.
Sandhoff disease. Also called: GM2-GANGLIOSIDOSIS, TYPE II; HEXOSAMINIDASES A AND B DEFICIENCY; Beta-hexosaminidase-beta-subunit deficiency; GM2 gangliosidosis, type 2; Total hexosaminidase deficiency; Sandhoff-Jatzkewitz-Pilz disease. Identifiers: Orphanet 796, MedGen C0036161, MONDO:0010006, OMIM 268800.

Allele frequency attached by ClinVar (database versions not stated): 1000 Genomes Project 30x 0.00406; 1000 Genomes Project 0.00419; TOPMed 0.00738; gnomAD 0.00741 and 0.00758; ExAC 0.00772; gnomAD exomes 0.00776 and 0.01036; ESP Exome Variant Server 0.00854.
gnomAD v4.1: 16,234 of 1,611,790 alleles (1%); highest among the groups gnomAD compares: Non-Finnish European, 1.1%; 113 homozygotes.

Submissions (10):

CeGaT Center for Human Genetics Tuebingen
Classification: Benign. Last evaluated: 2026-09-01. Review status: criteria provided, single submitter. Criteria: CeGaT Center For Human Genetics Tuebingen Variant Classification Criteria Version 2. Collection method: clinical testing. Allele origin: germline. Affected: yes. Observed: 43 variant alleles.
Comment: HEXB: BS1, BS2

Labcorp Genetics (formerly Invitae), Labcorp
Classification: Benign for Sandhoff disease. Last evaluated: 2026-02-04. Review status: criteria provided, single submitter. Criteria: Invitae Variant Classification Sherloc (09022015). Collection method: clinical testing. Allele origin: germline.

GeneDx
Classification: Benign. Last evaluated: 2019-04-25. Review status: criteria provided, single submitter. Criteria: GeneDx Variant Classification Process June 2021. Collection method: clinical testing. Allele origin: germline. Affected: yes.

Genetic Services Laboratory, University of Chicago
Classification: Benign. Last evaluated: 2017-05-01. Review status: criteria provided, single submitter. Criteria: ACMG Guidelines, 2015. Collection method: clinical testing. Allele origin: germline. Affected: no.

Illumina Laboratory Services, Illumina
Classification: Benign for Sandhoff disease. Last evaluated: 2017-04-27. Review status: criteria provided, single submitter. Criteria: ICSL Variant Classification Criteria 13 December 2019. Collection method: clinical testing. Allele origin: germline.
Comment: This variant was observed as part of a predisposition screen in an ostensibly healthy population. A literature search was performed for the gene, cDNA change, and amino acid change (where applicable). Publications were found based on this search. The evidence from the literature, in combination with allele frequency data from public databases where available, was sufficient to rule this variant out of causing disease. Therefore, this variant is classified as benign.

Eurofins Ntd Llc (ga)
Classification: Likely benign. Last evaluated: 2016-04-22. Review status: criteria provided, single submitter. Criteria: EGL Classification Definitions 2015. Collection method: clinical testing. Allele origin: germline. Observed: 4 variant alleles, 4 heterozygotes.

Center for Pediatric Genomic Medicine, Children's Mercy Hospital and Clinics
Classification: Likely benign. Last evaluated: 2016-02-17. Review status: criteria provided, single submitter. Criteria: ACMG Guidelines, 2015. Collection method: clinical testing. Allele origin: germline.
ClinVar note: Converted during submission from Likely Benign to Likely benign.

Natera, Inc.
Classification: Benign for Sandhoff disease. Last evaluated: 2019-12-04. Review status: no assertion criteria provided. Collection method: clinical testing. Allele origin: germline. Not counted in ClinVar's aggregate classification.

PreventionGenetics, part of Exact Sciences
Classification: Benign for HEXB-related condition. Last evaluated: 2019-07-15. Review status: no assertion criteria provided. Collection method: clinical testing. Allele origin: germline. Not counted in ClinVar's aggregate classification.
Comment: This variant is classified as benign based on ACMG/AMP sequence variant interpretation guidelines (Richards et al. 2015 PMID: 25741868, with internal and published modifications).

Mayo Clinic Laboratories, Mayo Clinic
Classification: Benign. Last evaluated: 2015-10-23. Review status: no assertion criteria provided. Collection method: clinical testing. Allele origin: unknown. Not counted in ClinVar's aggregate classification.

Literature cited by the submitters: PubMed 24461908 (cited by Illumina Laboratory Services, Illumina).